The following is an entry in ClinVar:

NM_001148.6(ANK2):c.1086C>G (p.Thr362=)

Gene: ANK2 (ankyrin 2; plus strand). Cytogenetic location: 4q26.
Variant type: single nucleotide variant.
Coding change: c.1086C>G on transcript NM_001148.6 (MANE Select); coding-DNA position 1086, C replaced by G.
Protein change: p.Thr362=; no amino-acid change (threonine 362 retained).
Molecular consequence: synonymous variant.
Genome position (GRCh38, 1-based): chr4:113,255,830, C>G. VCF-style: chr4-113255830-C-G. GRCh37 (hg19) VCF-style: chr4-114176986-C-G.
Other names: c.1023C>G, p.Thr341= (NM_001127493.3, NM_001354239.2, NM_001354243.2 and 14 more transcripts); c.1086C>G, p.Thr362= (NM_001354225.2, NM_001354228.2, NM_001354232.2 and 9 more transcripts); c.1131C>G, p.Thr377= (NM_001354230.2, NM_001354231.2, NM_001354237.2 and 5 more transcripts); c.999C>G, p.Thr333= (NM_001354249.2, NM_001354260.2, NM_001354264.2 and 16 more transcripts); c.1044C>G, p.Thr348= (NM_001354261.2, NM_001386147.1, NM_001386160.1); c.1074C>G, p.Thr358= (NM_001354269.3, NM_001386148.2, NM_001386186.2); c.1137C>G, p.Thr379= (NM_001386174.1); c.1113C>G, p.Thr371= (NM_001386175.1); and 1 more.
Identifiers: ClinVar variation 384441 (VCV000384441.1), dbSNP rs1057521954, ClinGen allele CA16604650.

ClinVar aggregate classification (germline): Likely benign (1 of 4 stars; one submission).

Submission:

GeneDx
Classification: Likely benign. Last evaluated: 2016-03-03. Review status: criteria provided, single submitter. Criteria: GeneDx Variant Classification (06012015). Collection method: clinical testing. Allele origin: germline. Affected: yes.
Comment: This variant is considered likely benign or benign based on one or more of the following criteria: it is a conservative change, it occurs at a poorly conserved position in the protein, it is predicted to be benign by multiple in silico algorithms, and/or has population frequency not consistent with disease.